The following is an entry in ClinVar:

NM_005051.3(QARS1):c.630T>A (p.Asn210Lys)

Gene: QARS1 (glutaminyl-tRNA synthetase 1; minus strand). Cytogenetic location: 3p21.31.
Variant type: single nucleotide variant.
Coding change: c.630T>A on transcript NM_005051.3 (MANE Select); coding-DNA position 630, T replaced by A.
Protein change: p.Asn210Lys; replaces asparagine 210 with lysine.
Molecular consequence: missense variant. On other transcripts: non-coding transcript variant (1).
Genome position (GRCh38, 1-based): chr3:49,102,206, A>T on the plus strand (T>A on the coding strand, the complement: QARS1 is on the minus strand). VCF-style: chr3-49102206-A-T. GRCh37 (hg19) VCF-style: chr3-49139639-A-T.
Other names: c.597T>A, p.Asn199Lys (NM_001272073.2); short protein forms N199K, N210K.
Identifiers: ClinVar variation 3391657 (VCV003391657.1).

ClinVar aggregate classification (germline): Uncertain significance (1 of 4 stars; one submission).

Submission:

GeneDx
Classification: Uncertain significance. Last evaluated: 2024-06-17. Review status: criteria provided, single submitter. Criteria: GeneDx Variant Classification Process June 2021. Collection method: clinical testing. Allele origin: germline. Affected: yes.
Comment: Not observed at significant frequency in large population cohorts (gnomAD); In silico analysis indicates that this missense variant does not alter protein structure/function; Has not been previously published as pathogenic or benign to our knowledge; This variant is associated with the following publications: (PMID: 25471517)